The following is an entry in ClinVar:

NM_001024630.4(RUNX2):c.1094C>G (p.Ser365Ter)

Gene: RUNX2 (RUNX family transcription factor 2; plus strand). Cytogenetic location: 6p21.1.
Variant type: single nucleotide variant.
Coding change: c.1094C>G on transcript NM_001024630.4 (MANE Select); coding-DNA position 1094, C replaced by G.
Protein change: p.Ser365Ter; replaces serine 365 with a stop codon.
Molecular consequence: nonsense.
Genome position (GRCh38, 1-based): chr6:45,546,833, C>G. VCF-style: chr6-45546833-C-G. GRCh37 (hg19) VCF-style: chr6-45514570-C-G.
Other names: c.1028C>G, p.Ser343Ter (NM_001015051.4); c.986C>G, p.Ser329Ter (NM_001278478.2); c.1052C>G, p.Ser351Ter (NM_001369405.1); short protein forms S329*, S343*, S351*, S365*.
Identifiers: ClinVar variation 4293549 (VCV004293549.1).

ClinVar aggregate classification (germline): Likely pathogenic (1 of 4 stars; one submission).

Conditions:
Cleidocranial dysostosis (CLCD1). Also called: Marie-Sainton disease; Cleidocranial Dysplasia Spectrum Disorder; cleidocranial dysplasia 1. Identifiers: Orphanet 1452, MedGen C0008928, MONDO:0007340, OMIM 119600.

Submission:

3billion
Classification: Likely pathogenic for Cleidocranial dysostosis. Last evaluated: 2024-08-26. Review status: criteria provided, single submitter. Criteria: ACMG Guidelines, 2015. Collection method: clinical testing. Allele origin: germline. Affected: yes.
Comment: The variant is not observed in the gnomAD v4.0.0 dataset. Predicted Consequence/Location: Stop-gained (nonsense): predicted to result in a loss or disruption of normal protein function through protein truncation. The predicted truncated protein may be shortened by more than 10%. Therefore, this variant is classified as Likely pathogenic according to the recommendation of ACMG/AMP guideline.